The following is an entry in ClinVar:

NM_203447.4(DOCK8):c.4241+14C>T

Gene: DOCK8 (dedicator of cytokinesis 8; plus strand). Cytogenetic location: 9p24.3.
Variant type: single nucleotide variant.
Coding change: c.4241+14C>T on transcript NM_203447.4 (MANE Select); 14 bases into the intron after coding-DNA position 4241, C replaced by T.
Molecular consequence: intron variant.
Genome position (GRCh38, 1-based): chr9:422,149, C>T. VCF-style: chr9-422149-C-T. GRCh37 (hg19) VCF-style: chr9-422149-C-T.
Other names: c.4037+14C>T (NM_001193536.2); c.3941+14C>T (NM_001190458.2).
Identifiers: ClinVar variation 1370633 (VCV001370633.6), dbSNP rs2131649455, ClinGen allele CA2573144454.
Genomic context (GRCh38, chr9:422,149, plus strand): 5'-AAGAAAGAGCAGACACATTGGCGGCAAGCTAATGAGAAGCTAGATAAGTGAGTCACTCGG[C>T]AACTTTCTGCTACTTTTACCTAAAGTCCAAAACTATTTTTCCCAGGCTGCTTGTATTACT-3'

ClinVar aggregate classification (germline): Uncertain significance (1 of 4 stars; one submission).

Conditions:
Combined immunodeficiency due to DOCK8 deficiency (HIES2). Also called: HYPER-IgE RECURRENT INFECTION SYNDROME 2, AUTOSOMAL RECESSIVE; HYPER-IgE SYNDROME 2, AUTOSOMAL RECESSIVE, WITH RECURRENT INFECTIONS; HIES autosomal recessive; DOCK8 Deficiency; Hyper-IgE recurrent infection syndrome, autosomal recessive. Identifiers: Orphanet 217390, MedGen C4722305, MONDO:0009478, OMIM 243700.

Submission:

Labcorp Genetics (formerly Invitae), Labcorp
Classification: Uncertain significance for Combined immunodeficiency due to DOCK8 deficiency. Last evaluated: 2022-08-23. Review status: criteria provided, single submitter. Criteria: Invitae Variant Classification Sherloc (09022015). Collection method: clinical testing. Allele origin: germline.
Comment: Algorithms developed to predict the effect of sequence changes on RNA splicing suggest that this variant may create or strengthen a splice site. This sequence change falls in intron 33 of the DOCK8 gene. It does not directly change the encoded amino acid sequence of the DOCK8 protein. This variant is not present in population databases (gnomAD no frequency). This variant has not been reported in the literature in individuals affected with DOCK8-related conditions. ClinVar contains an entry for this variant (Variation ID: 1370633). In summary, the available evidence is currently insufficient to determine the role of this variant in disease. Therefore, it has been classified as a Variant of Uncertain Significance.